The following is an entry in ClinVar:

NM_014361.4(CNTN5):c.2731-4A>G

Gene: CNTN5 (contactin 5; plus strand). Cytogenetic location: 11q22.1.
Variant type: single nucleotide variant.
Coding change: c.2731-4A>G on transcript NM_014361.4 (MANE Select); 4 bases into the intron before coding-DNA position 2731, A replaced by G.
Molecular consequence: intron variant.
Genome position (GRCh38, 1-based): chr11:100,340,459, A>G. VCF-style: chr11-100340459-A-G. GRCh37 (hg19) VCF-style: chr11-100211191-A-G.
Other names: c.2731-4A>G (NM_001243270.2); c.2509-4A>G (NM_175566.2).
Identifiers: ClinVar variation 3345481 (VCV003345481.1).

ClinVar aggregate classification (germline): Uncertain significance (0 of 4 stars; one submission).

Conditions:
CNTN5-related disorder. Also called: CNTN5-related condition.

Submission:

PreventionGenetics, part of Exact Sciences
Classification: Uncertain significance for CNTN5-related condition. Last evaluated: 2024-08-27. Review status: no assertion criteria provided. Collection method: clinical testing. Allele origin: germline.
Comment: The CNTN5 c.2731-4A>G variant is predicted to interfere with splicing. This variant is predicted to impact splicing based on available splicing prediction programs (SpliceAI, Jaganathan et al. 2019. PubMed ID: 30661751). To our knowledge, this variant has not been reported in the literature or in a large population database, indicating this variant is rare. At this time, the clinical significance of this variant is uncertain due to the absence of conclusive functional and genetic evidence.